The following is an entry in ClinVar:

ClinVar aggregate classification (germline): Uncertain significance (1 of 4 stars; one submission).

Conditions:
Epidermolysis bullosa simplex with nail dystrophy (EBS5D). Identifiers: MedGen C4225309, MONDO:0014661, OMIM 616487.
Epidermolysis bullosa simplex, Ogna type (EBS5A). Also called: Pidermolysis bullosa simplex 5A, Ogna type; EPIDERMOLYSIS BULLOSA SIMPLEX 5A, OGNA TYPE. Identifiers: Orphanet 79401, MedGen C0432317, MONDO:0007555, OMIM 131950.
Autosomal recessive limb-girdle muscular dystrophy type 2Q (LGMDR17). Also called: MUSCULAR DYSTROPHY, LIMB-GIRDLE, AUTOSOMAL RECESSIVE 17. Identifiers: Orphanet 254361, MedGen C3150989, MONDO:0013390, OMIM 613723.
Epidermolysis bullosa simplex 5C, with pyloric atresia (EBS5C). Also called: PLEC-Related Epidermolysis Bullosa with Pyloric Atresia; Epidermolysis bullosa simplex with pyloric atresia; PLEC1-Related Epidermolysis Bullosa with Pyloric Atresia. Identifiers: Orphanet 158684, MedGen C2677349, MONDO:0012807, OMIM 612138.
Epidermolysis bullosa simplex 5B, with muscular dystrophy (EBS5B). Also called: EPIDERMOLYSIS BULLOSA SIMPLEX AND LIMB-GIRDLE MUSCULAR DYSTROPHY; Epidermolysis bullosa simplex with muscular dystrophy. Identifiers: Orphanet 257, MedGen C2931072, MONDO:0009181, OMIM 226670.

Submission:

Labcorp Genetics (formerly Invitae), Labcorp
Classification: Uncertain significance for Autosomal recessive limb-girdle muscular dystrophy type 2Q; Epidermolysis bullosa simplex, Ogna type; Epidermolysis bullosa simplex with nail dystrophy; Epidermolysis bullosa simplex 5C, with pyloric atresia; Epidermolysis bullosa simplex 5B, with muscular dystrophy. Last evaluated: 2025-12-22. Review status: criteria provided, single submitter. Criteria: Invitae Variant Classification Sherloc (09022015). Collection method: clinical testing. Allele origin: germline.
Comment: This variant, c.5922_5923insTTGGAG, results in the insertion of 2 amino acid(s) of the PLEC protein (p.Glu1974_Leu1975dup), but otherwise preserves the integrity of the reading frame. This variant is present in population databases (rs781862456, gnomAD 0.008%). This variant has not been reported in the literature in individuals affected with PLEC-related conditions. ClinVar contains an entry for this variant (Variation ID: 471615). In summary, the available evidence is currently insufficient to determine the role of this variant in disease. Therefore, it has been classified as a Variant of Uncertain Significance.

NM_201384.3(PLEC):c.5841_5842insTTGGAG (p.1943EL[4])

Gene: PLEC (plectin; minus strand). Cytogenetic location: 8q24.3.
Variant type: Insertion.
Coding change: c.5841_5842insTTGGAG on transcript NM_201384.3 (MANE Select); coding-DNA positions 5841 to 5842, TTGGAG inserted.
Protein change: p.1943EL[4].
Molecular consequence: inframe insertion.
Genome position: GRCh38 VCF-style: chr8-143924087-G-GCTCCAA. GRCh37 (hg19) VCF-style: chr8-144998255-G-GCTCCAA.
Other names: c.5922_5923insTTGGAG, p.1970EL[4] (NM_000445.5); c.5799_5800insTTGGAG, p.1929EL[4] (NM_201378.4); c.5775_5776insTTGGAG, p.1921EL[4] (NM_201379.3); c.6252_6253insTTGGAG, p.2080EL[4] (NM_201380.4); c.5745_5746insTTGGAG, p.1911EL[4] (NM_201381.3); c.5841_5842insTTGGAG, p.1943EL[4] (NM_201382.4); c.5853_5854insTTGGAG, p.1947EL[4] (NM_201383.3).
Identifiers: ClinVar variation 471615 (VCV000471615.5), dbSNP rs781862456, ClinGen allele CA4926221.